The following is an entry in ClinVar:

NM_022489.4(INF2):c.2923G>T (p.Ala975Ser)

Gene: INF2 (inverted formin 2; plus strand). Cytogenetic location: 14q32.33.
Variant type: single nucleotide variant.
Coding change: c.2923G>T on transcript NM_022489.4 (MANE Select); coding-DNA position 2923, G replaced by T.
Protein change: p.Ala975Ser; replaces alanine 975 with serine.
Molecular consequence: missense variant.
Genome position (GRCh38, 1-based): chr14:104,713,489, G>T. VCF-style: chr14-104713489-G-T. GRCh37 (hg19) VCF-style: chr14-105179826-G-T.
Other names: c.2923G>T, p.Ala975Ser (NM_001031714.4); short protein forms A975S.
Identifiers: ClinVar variation 845573 (VCV000845573.11), dbSNP rs776214674, ClinGen allele CA7373131.
Genomic context (GRCh38, chr14:104,713,489, plus strand): 5'-GCCCCACGCTCCTCAGTCAGGAAGGGGCCCGGGAAGCAGGAGGAGGTGTGTGTCATCGAT[G>T]CCCTGCTGGCTGACATCAGGAAGGGCTTCCAGCTGCGGAAGACAGCCCGGGGCCGCGGGG-3'
Protein context (NP_071934.3, residues 965-985): GKQEEVCVID[Ala975Ser]LLADIRKGFQ

ClinVar aggregate classification (germline): Uncertain significance. Review status: criteria provided, multiple submitters, no conflicts (2 of 4 stars). 3 submissions from 3 submitters: Uncertain significance (3). Last evaluated 2025-05-01.

Conditions:
Focal segmental glomerulosclerosis 5 (FSGS5). Identifiers: Orphanet 656, MedGen C2750475, MONDO:0013191, OMIM 613237.
Charcot-Marie-Tooth disease dominant intermediate E. Also called: CHARCOT-MARIE-TOOTH NEUROPATHY WITH FOCAL SEGMENTAL GLOMERULONEPHRITIS. Identifiers: Orphanet 93114, MedGen C4302667, MONDO:0013758, OMIM 614455.

Allele frequency attached by ClinVar (database versions not stated): gnomAD exomes below 0.00001 and 0.00001; ExAC 0.00001; gnomAD 0.00001; TOPMed 0.00002.
gnomAD v4.1: 10 of 1,611,568 alleles (0.00062%); highest among the groups gnomAD compares: African/African-American, 0.0013%; no homozygotes.

Submissions (3):

Labcorp Genetics (formerly Invitae), Labcorp
Classification: Uncertain significance for Charcot-Marie-Tooth disease dominant intermediate E; Focal segmental glomerulosclerosis 5. Last evaluated: 2025-05-01. Review status: criteria provided, single submitter. Criteria: Invitae Variant Classification Sherloc (09022015). Collection method: clinical testing. Allele origin: germline.
Comment: This sequence change replaces alanine, which is neutral and non-polar, with serine, which is neutral and polar, at codon 975 of the INF2 protein (p.Ala975Ser). This variant is present in population databases (rs776214674, gnomAD 0.002%). This variant has not been reported in the literature in individuals affected with INF2-related conditions. ClinVar contains an entry for this variant (Variation ID: 845573). Invitae Evidence Modeling of protein sequence and biophysical properties (such as structural, functional, and spatial information, amino acid conservation, physicochemical variation, residue mobility, and thermodynamic stability) indicates that this missense variant is not expected to disrupt INF2 protein function with a negative predictive value of 95%. In summary, the available evidence is currently insufficient to determine the role of this variant in disease. Therefore, it has been classified as a Variant of Uncertain Significance.

Fulgent Genetics
Classification: Uncertain significance for Focal segmental glomerulosclerosis 5; Charcot-Marie-Tooth disease dominant intermediate E. Last evaluated: 2024-03-11. Review status: criteria provided, single submitter. Criteria: ACMG Guidelines, 2015. Collection method: clinical testing. Allele origin: germline.

Blueprint Genetics
Classification: Uncertain significance. Last evaluated: 2023-09-18. Review status: criteria provided, single submitter. Criteria: ACMG Guidelines, 2015. Collection method: clinical testing. Allele origin: germline.